The following is an entry in ClinVar:

ClinVar aggregate classification (germline): Likely benign. Review status: criteria provided, multiple submitters, no conflicts (2 of 4 stars). 9 submissions from 9 submitters: Likely benign (8). 1 of the submissions does not count toward it. Last evaluated 2026-01-19.

Conditions:
Hereditary cancer-predisposing syndrome. Also called: Neoplastic Syndromes, Hereditary; Hereditary neoplastic syndrome; Tumor predisposition; Hereditary Cancer Syndrome. Identifiers: Orphanet 140162, MedGen C0027672, MeSH D009386, MONDO:0015356.
Hereditary breast ovarian cancer syndrome. Also called: Hereditary breast and/or ovarian cancer syndrome; Breast and ovarian cancer; BRCA1- and BRCA2-Associated Hereditary Breast and Ovarian Cancer; Hereditary breast and ovarian cancer; Hereditary breast and ovarian cancer syndrome; Hereditary breast and ovarian cancer syndrome (HBOC). Identifiers: Orphanet 145, MedGen C0677776, MeSH D061325, MONDO:0003582. Disease mechanism: loss of function.
Breast-ovarian cancer, familial, susceptibility to, 2 (BROVCA2). Also called: BRCA2 Hereditary Breast and Ovarian Cancer. Identifiers: Orphanet 145, MedGen C2675520, MONDO:0012933, OMIM 612555. Disease mechanism: loss of function.

Allele frequency attached by ClinVar (database versions not stated): ExAC 0.00001; gnomAD exomes 0.00001 and 0.00002; TOPMed 0.00002; gnomAD 0.00003.
gnomAD v4.1: 40 of 1,593,778 alleles (0.0025%); highest among the groups gnomAD compares: Non-Finnish European, 0.0032%; no homozygotes.

Submissions (9):

Labcorp Genetics (formerly Invitae), Labcorp
Classification: Likely benign for Hereditary breast ovarian cancer syndrome. Last evaluated: 2026-01-19. Review status: criteria provided, single submitter. Criteria: Invitae Variant Classification Sherloc (09022015). Collection method: clinical testing. Allele origin: germline.

Blueprint Genetics
Classification: Likely benign. Last evaluated: 2024-11-13. Review status: criteria provided, single submitter. Criteria: ACMG Guidelines, 2015. Collection method: clinical testing. Allele origin: germline.

Women's Health and Genetics/Laboratory Corporation of America, LabCorp
Classification: Likely benign. Last evaluated: 2024-08-20. Review status: criteria provided, single submitter. Criteria: LabCorp Variant Classification Summary - May 2015. Collection method: clinical testing. Allele origin: germline.
Comment: Variant summary: BRCA2 c.1513A>G (p.Ile505Val) results in a conservative amino acid change in the encoded protein sequence. Five of five in-silico tools predict a benign effect of the variant on protein function. The variant allele was found at a frequency of 2.5e-05 in 1593778 control chromosomes, predominantly at a frequency of 3.2e-05 within the Non-Finnish European subpopulation in the gnomAD database. This frequency is not significantly higher than estimated for a pathogenic variant in BRCA2 causing Hereditary Breast And Ovarian Cancer Syndrome (2.5e-05 vs 0.00075), allowing no conclusion about variant significance. c.1513A>G has been reported in the literature in at least one individual with head and neck squamous cell carcinoma (e.g., Lu_2015), however the variant has also been reported in healthy controls (e.g., Dorling_2021), a cancer-free familiy (e.g., Zheng_2020), and 2 individuals who have never had cancer in the FLOSSIES (Fabulous Ladies Over Seventy) cohort. These reports suggest the variant is not likely to be associated with Hereditary Breast And Ovarian Cancer Syndrome. To our knowledge, no experimental evidence demonstrating an impact on protein function has been reported. The following publications have been ascertained in the context of this evaluation (PMID: 26689913, 32992489, 33471991 ). ClinVar contains an entry for this variant (Variation ID: 37744). Based on the evidence outlined above, the variant was classified as likely benign.

All of Us Research Program, National Institutes of Health
Classification: Likely benign for Breast-ovarian cancer, familial, susceptibility to, 2. Last evaluated: 2023-10-06. Review status: criteria provided, single submitter. Criteria: ACMG Guidelines, 2015. Collection method: clinical testing. Allele origin: germline. Inheritance: Autosomal dominant inheritance. Observed: 2 variant alleles, 2 heterozygotes.
Comment: This study involves interpretation of variants in research participants for the purpose of population health screening. Participant phenotype was not available at the time of variant classification. Additional details can be found in publication PMID: 35346344, PMCID: PMC8962531

University of Washington Department of Laboratory Medicine, University of Washington
Classification: Likely benign for Hereditary cancer-predisposing syndrome. Last evaluated: 2023-03-23. Review status: criteria provided, single submitter. Criteria: Dines et al. (Genet Med. 2020). Collection method: curation. Allele origin: germline.
Comment: Missense variant in a coldspot region where missense variants are very unlikely to be pathogenic (PMID:31911673).

BRCA2 exon 10 coldspot. Reclassification based on statistical prior probability.

Ambry Genetics
Classification: Likely benign for Hereditary cancer-predisposing syndrome. Last evaluated: 2018-11-01. Review status: criteria provided, single submitter. Criteria: Ambry Variant Classification Scheme 2023. Collection method: clinical testing. Allele origin: germline.

GeneDx
Classification: Likely benign. Last evaluated: 2018-07-06. Review status: criteria provided, single submitter. Criteria: GeneDx Variant Classification Process June 2021. Collection method: clinical testing. Allele origin: germline. Affected: yes.
Comment: This variant is associated with the following publications: (PMID: 26689913)

Color Diagnostics, LLC DBA Color Health
Classification: Likely benign for Hereditary cancer-predisposing syndrome. Last evaluated: 2014-12-05. Review status: criteria provided, single submitter. Criteria: ACMG Guidelines, 2015. Collection method: clinical testing. Allele origin: germline.

Sharing Clinical Reports Project (SCRP)
Classification: Likely benign for Breast-ovarian cancer, familial 2. Last evaluated: 2012-04-17. Review status: no assertion criteria provided. Collection method: clinical testing. Allele origin: germline. Not counted in ClinVar's aggregate classification.

Literature cited by the submitters: PubMed 26689913 (cited by Women's Health and Genetics/Laboratory Corporation of America, LabCorp); PubMed 33471991 (cited by Women's Health and Genetics/Laboratory Corporation of America, LabCorp); PubMed 32992489 (cited by Women's Health and Genetics/Laboratory Corporation of America, LabCorp).

NM_000059.4(BRCA2):c.1513A>G (p.Ile505Val)

Gene: BRCA2 (BRCA2 DNA repair associated; plus strand). Cytogenetic location: 13q13.1.
Variant type: single nucleotide variant.
Coding change: c.1513A>G on transcript NM_000059.4 (MANE Select); coding-DNA position 1513, A replaced by G.
Protein change: p.Ile505Val; replaces isoleucine 505 with valine.
Molecular consequence: missense variant.
Genome position (GRCh38, 1-based): chr13:32,332,991, A>G. VCF-style: chr13-32332991-A-G. GRCh37 (hg19) VCF-style: chr13-32907128-A-G.
Other names: 1741A>G; short protein forms I505V.
Identifiers: ClinVar variation 37744 (VCV000037744.22), dbSNP rs397507270, ClinGen allele CA012278.